The following is an entry in ClinVar:

ClinVar aggregate classification (germline): Benign (1 of 4 stars; one submission).

Conditions:
Landau-Kleffner syndrome (FESD). Also called: EPILEPSY, FOCAL, WITH SPEECH DISORDER AND WITH OR WITHOUT MENTAL RETARDATION; APHASIA, ACQUIRED, WITH EPILEPSY. Identifiers: Orphanet 1945, Orphanet 725, Orphanet 98818, MedGen C0282512, MONDO:0009509, OMIM 245570.

Allele frequency attached by ClinVar (database versions not stated): TOPMed 0.02796; 1000 Genomes Project 30x 0.02686; gnomAD exomes 0.01278; gnomAD 0.02700 and 0.02553; 1000 Genomes Project 0.02576.
gnomAD v4.1: 4,316 of 186,568 alleles (2.3%); highest among the groups gnomAD compares: African/African-American, 6.3%; 83 homozygotes.

Submission:

Illumina Laboratory Services, Illumina
Classification: Benign for Landau-Kleffner syndrome. Last evaluated: 2018-01-12. Review status: criteria provided, single submitter. Criteria: ICSL Variant Classification Criteria 13 December 2019. Collection method: clinical testing. Allele origin: germline.
Comment: This variant was observed in the ICSL laboratory as part of a predisposition screen in an ostensibly healthy population. It had not been previously curated by ICSL or reported in the Human Gene Mutation Database (HGMD: prior to June 1st, 2018), and was therefore a candidate for classification through an automated scoring system. Utilizing variant allele frequency, disease prevalence and penetrance estimates, and inheritance mode, an automated score was calculated to assess if this variant is too frequent to cause the disease. Based on the score and internal cut-off values, a variant classified as benign is not then subjected to further curation. The score for this variant resulted in a classification of benign for this disease.

NM_001134407.3(GRIN2A):c.*8978G>C

Gene: GRIN2A (glutamate ionotropic receptor NMDA type subunit 2A; minus strand). Cytogenetic location: 16p13.2.
Variant type: single nucleotide variant.
Coding change: c.*8978G>C on transcript NM_001134407.3 (MANE Select); 8978 bases downstream of the stop codon, G replaced by C.
Molecular consequence: 3 prime UTR variant.
Genome position (GRCh38, 1-based): chr16:9,754,171, C>G on the plus strand (G>C on the coding strand, the complement: GRIN2A is on the minus strand). VCF-style: chr16-9754171-C-G. GRCh37 (hg19) VCF-style: chr16-9848028-C-G.
Other names: c.*8978G>C (NM_000833.5); c.*9184G>C (NM_001134408.2).
Identifiers: ClinVar variation 321464 (VCV000321464.5), dbSNP rs79818496, ClinGen allele CA10638716.